The following is an entry in ClinVar:

NC_000007.13:g.(?_35271096)_(35293231_?)del

Gene: TBX20 (T-box transcription factor 20; minus strand). Cytogenetic location: 7p14.2.
Variant type: Deletion.
Identifiers: ClinVar variation 2423623 (VCV002423623.4).

ClinVar aggregate classification (germline): Pathogenic (1 of 4 stars; one submission).

Submission:

Labcorp Genetics (formerly Invitae), Labcorp
Classification: Pathogenic. Last evaluated: 2023-11-24. Review status: criteria provided, single submitter. Criteria: Invitae Variant Classification Sherloc (09022015). Collection method: clinical testing. Allele origin: germline.
Comment: This variant is a gross deletion of the genomic region encompassing exon(s) 1-6 of the TBX20 gene, which includes the initiator codon. This deletion extends beyond the assayed region for this gene and therefore may encompass additional genes. It is expected to result in an absent or disrupted protein product. Loss-of-function variants in TBX20 are known to be pathogenic (PMID: 15901664, 25625280, 26118961, 27510170). This variant has not been reported in the literature in individuals affected with TBX20-related conditions. For these reasons, this variant has been classified as Pathogenic.

Literature cited by the submitters: PubMed 15901664; PubMed 25625280; PubMed 26118961; PubMed 27510170.